The following is an entry in ClinVar:

NM_000359.3(TGM1):c.1670del (p.Val557fs)

Gene: TGM1 (transglutaminase 1; minus strand). Cytogenetic location: 14q12.
Variant type: Deletion.
Coding change: c.1670del on transcript NM_000359.3 (MANE Select); coding-DNA position 1670, one base deleted (T; older notation c.1670delT).
Protein change: p.Val557fs; shifts the reading frame from valine 557.
Molecular consequence: frameshift variant.
Genome position (GRCh38, 1-based): chr14:24,255,229, A deleted on the plus strand (T on the coding strand, the reverse complement: TGM1 is on the minus strand). VCF-style (leftmost placement, unchanged base first): chr14-24255228-TA-T. GRCh37 (hg19) VCF-style: chr14-24724434-TA-T.
Other names: short protein forms V557fs.
Identifiers: ClinVar variation 1726777 (VCV001726777.2), dbSNP rs2502494374, ClinGen allele CA2580087953.
Genomic context (GRCh38, chr14:24,255,228, plus strand): 5'-CTCCGCTGAGCCCCGGTTGGCATACACATTGGGTTTGCTGCCGTGGGCTGCTGCTGTCTC[TA>T]CTGCCTTCCGCTCTGCGTCTGAGCCTGGGGGTTGAGGGTCAAGGGTGAGGTTCCAATTCC-3'

ClinVar aggregate classification (germline): Likely pathogenic (1 of 4 stars; one submission).

Conditions:
Autosomal recessive congenital ichthyosis 1 (LI1). Also called: LAMELLAR EXFOLIATION OF NEWBORN; COLLODION FETUS; DESQUAMATION OF NEWBORN; ICHTHYOSIS CONGENITA; ICHTHYOSIS CONGENITA II; ICHTHYOSIS, CONGENITAL, AUTOSOMAL RECESSIVE 1, WITH BATHING SUIT DISTRIBUTION. Identifiers: MedGen C4551630, MONDO:0009441, OMIM 242300.

Submission:

Myriad Genetics, Inc.
Classification: Likely pathogenic for Autosomal recessive congenital ichthyosis 1. Last evaluated: 2022-01-02. Review status: criteria provided, single submitter. Criteria: Myriad Women's Health Autosomal Recessive and X-Linked Classification Criteria (2021). Collection method: clinical testing. Allele origin: unknown.
Comment: NM_000359.2(TGM1):c.1670delT(V557Efs*33) is expected to be pathogenic in the context of TGM1-related autosomal recessive congenital ichthyosis. This variant is predicted to lead to an abnormal or absent protein product due to the creation of a premature termination codon in TGM1, a gene where loss-of-function variants are known to be pathogenic. Please note: this variant was assessed in the context of healthy population screening.